The following is an entry in ClinVar:

ClinVar aggregate classification (germline): Likely benign. Review status: criteria provided, single submitter (1 of 4 stars). 2 submissions from 2 submitters: Likely benign (1). 1 of the submissions does not count toward it. Last evaluated 2024-11-14.

Conditions:
LMX1B-related disorder. Also called: LMX1B-related condition.

Allele frequency attached by ClinVar (database versions not stated): gnomAD exomes 0.00002; ExAC 0.00008; gnomAD 0.00011; TOPMed 0.00018.
gnomAD v4.1: 51 of 1,568,168 alleles (0.0033%); highest among the groups gnomAD compares: African/African-American, 0.068%; no homozygotes.

Submissions (2):

Labcorp Genetics (formerly Invitae), Labcorp
Classification: Likely benign. Last evaluated: 2024-11-14. Review status: criteria provided, single submitter. Criteria: Invitae Variant Classification Sherloc (09022015). Collection method: clinical testing. Allele origin: germline.

PreventionGenetics, part of Exact Sciences
Classification: Likely benign for LMX1B-related condition. Last evaluated: 2021-03-25. Review status: no assertion criteria provided. Collection method: clinical testing. Allele origin: germline. Not counted in ClinVar's aggregate classification.
Comment: This variant is classified as likely benign based on ACMG/AMP sequence variant interpretation guidelines (Richards et al. 2015 PMID: 25741868, with internal and published modifications).

NM_001174147.2(LMX1B):c.140-13C>T

Gene: LMX1B (LIM homeobox transcription factor 1 beta; plus strand). Cytogenetic location: 9q33.3.
Variant type: single nucleotide variant.
Coding change: c.140-13C>T on transcript NM_001174147.2 (MANE Select); 13 bases into the intron before coding-DNA position 140, C replaced by T.
Molecular consequence: intron variant.
Genome position (GRCh38, 1-based): chr9:126,615,370, C>T. VCF-style: chr9-126615370-C-T. GRCh37 (hg19) VCF-style: chr9-129377649-C-T.
Other names: c.140-13C>T (NM_001174146.2, NM_002316.4, NM_002316.3).
Identifiers: ClinVar variation 2961278 (VCV002961278.5), dbSNP rs776337890, ClinGen allele CA5242235.